The following is an entry in ClinVar:

ClinVar aggregate classification (germline): Benign. Review status: criteria provided, multiple submitters, no conflicts (2 of 4 stars). 5 submissions from 5 submitters: Benign (5). Last evaluated 2026-02-04.

Conditions:
Hereditary spastic paraplegia 49 (HSAN9). Also called: Spastic paraplegia 49, autosomal recessive; NEUROPATHY, HEREDITARY SENSORY AND AUTONOMIC, TYPE IX, WITH DEVELOPMENTAL DELAY; TECPR2-Related Hereditary Sensory and Autonomic Neuropathy with Intellectual Disability. Identifiers: Orphanet 320385, MedGen C5190860, MONDO:0014016, OMIM 615031.
Hereditary spastic paraplegia. Also called: Familial spastic paraparesis. Identifiers: Orphanet 685, MedGen C0037773, MONDO:0019064. Disease mechanism: loss of function.

Allele frequency attached by ClinVar (database versions not stated): ExAC 0.03818; gnomAD exomes 0.03823; ESP Exome Variant Server 0.04021; gnomAD 0.04158 and 0.04164; 1000 Genomes Project 30x 0.04279; 1000 Genomes Project 0.04313; TOPMed 0.04331.
gnomAD v4.1: 52,168 of 1,531,524 alleles (3.4%); highest among the groups gnomAD compares: African/African-American, 5.6%; 1,022 homozygotes.

Submissions (5):

Labcorp Genetics (formerly Invitae), Labcorp
Classification: Benign for Hereditary spastic paraplegia 49. Last evaluated: 2026-02-04. Review status: criteria provided, single submitter. Criteria: Invitae Variant Classification Sherloc (09022015). Collection method: clinical testing. Allele origin: germline.

Genome Diagnostics Laboratory, The Hospital for Sick Children
Classification: Benign for Hereditary spastic paraplegia. Last evaluated: 2022-01-15. Review status: criteria provided, single submitter. Criteria: ACMG Guidelines, 2015. Collection method: clinical testing. Allele origin: germline. Affected: yes.

Mayo Clinic Laboratories, Mayo Clinic
Classification: Benign. Last evaluated: 2017-07-19. Review status: criteria provided, single submitter. Criteria: ACMG Guidelines, 2015. Collection method: clinical testing. Allele origin: germline. Observed: 51 variant alleles.

GeneDx
Classification: Benign. Last evaluated: 2016-04-15. Review status: criteria provided, single submitter. Criteria: GeneDx Variant Classification (06012015). Collection method: clinical testing. Allele origin: germline. Affected: yes.
Comment: This variant is considered likely benign or benign based on one or more of the following criteria: it is a conservative change, it occurs at a poorly conserved position in the protein, it is predicted to be benign by multiple in silico algorithms, and/or has population frequency not consistent with disease.

Breakthrough Genomics
Classification: Benign. Review status: criteria provided, single submitter. Criteria: ACMG Guidelines, 2015. Collection method: not provided. Allele origin: germline. Inheritance: Autosomal recessive inheritance. Affected: yes.

NM_014844.5(TECPR2):c.1614A>G (p.Pro538=)

Gene: TECPR2 (tectonin beta-propeller repeat containing 2; plus strand). Cytogenetic location: 14q32.31.
Variant type: single nucleotide variant.
Coding change: c.1614A>G on transcript NM_014844.5 (MANE Select); coding-DNA position 1614, A replaced by G.
Protein change: p.Pro538=; no amino-acid change (proline 538 retained).
Molecular consequence: synonymous variant.
Genome position (GRCh38, 1-based): chr14:102,434,431, A>G. VCF-style: chr14-102434431-A-G. GRCh37 (hg19) VCF-style: chr14-102900768-A-G.
Other names: p.Pro538=; c.1614A>G, p.Pro538= (NM_001172631.3).
Identifiers: ClinVar variation 380928 (VCV000380928.16), dbSNP rs17791240, ClinGen allele CA7357760.